The following is an entry in ClinVar:

ClinVar aggregate classification (germline): Uncertain significance (1 of 4 stars; one submission).

Conditions:
Neurofibromatosis, type 1 (NF1). Also called: Peripheral type neurofibromatosis; VON RECKLINGHAUSEN DISEASE; Neurofibromatosis, type I; NEUROFIBROMATOSIS, TYPE I, SOMATIC. Identifiers: Orphanet 636, MedGen C0027831, MONDO:0018975, OMIM 162200. Disease mechanism: loss of function.

Submission:

Labcorp Genetics (formerly Invitae), Labcorp
Classification: Uncertain significance for Neurofibromatosis, type 1. Last evaluated: 2019-09-09. Review status: criteria provided, single submitter. Criteria: Invitae Variant Classification Sherloc (09022015). Collection method: clinical testing. Allele origin: germline.
Comment: This sequence change replaces alanine with glycine at codon 75 of the NF1 protein (p.Ala75Gly). The alanine residue is moderately conserved and there is a small physicochemical difference between alanine and glycine. This variant is not present in population databases (ExAC no frequency). This variant has not been reported in the literature in individuals with NF1-related conditions. Algorithms developed to predict the effect of missense changes on protein structure and function (SIFT, PolyPhen-2, Align-GVGD) all suggest that this variant is likely to be tolerated, but these predictions have not been confirmed by published functional studies and their clinical significance is uncertain. Algorithms developed to predict the effect of sequence changes on RNA splicing suggest that this variant may create or strengthen a splice site, but this prediction has not been confirmed by published transcriptional studies. In summary, the available evidence is currently insufficient to determine the role of this variant in disease. Therefore, it has been classified as a Variant of Uncertain Significance.

NM_001042492.3(NF1):c.224C>G (p.Ala75Gly)

Gene: NF1 (neurofibromin 1; plus strand). Cytogenetic location: 17q11.2.
Variant type: single nucleotide variant.
Coding change: c.224C>G on transcript NM_001042492.3 (MANE Select); coding-DNA position 224, C replaced by G.
Protein change: p.Ala75Gly; replaces alanine 75 with glycine.
Molecular consequence: missense variant.
Genome position (GRCh38, 1-based): chr17:31,159,029, C>G. VCF-style: chr17-31159029-C-G. GRCh37 (hg19) VCF-style: chr17-29486047-C-G.
Other names: c.224C>G, p.Ala75Gly (NM_000267.4, NM_001128147.3); short protein forms A75G.
Identifiers: ClinVar variation 936646 (VCV000936646.6), dbSNP rs2065716538, ClinGen allele CA398989565.